The following is an entry in ClinVar:

ClinVar aggregate classification (germline): Uncertain significance (1 of 4 stars; one submission).

Conditions:
Paget disease of bone 2, early-onset (PDB2). Also called: Paget disease of bone 2. Identifiers: MedGen C4085251, MONDO:0011183, OMIM 602080.
Frontotemporal dementia and/or amyotrophic lateral sclerosis 1 (FTDALS1). Also called: C9orf72 Frontotemporal Dementia and/or Amyotrophic Lateral Sclerosis; Frontotemporal dementia with motor neuron disease 1. Identifiers: Orphanet 275872, MedGen C5779877, MONDO:0007105, OMIM 105550.

Allele frequency attached by ClinVar (database versions not stated): ExAC 0.00001; gnomAD exomes 0.00001.
gnomAD v4.1: 4 of 1,614,042 alleles (0.00025%); highest among the groups gnomAD compares: Admixed American, 0.0067%; no homozygotes.

Submission:

Labcorp Genetics (formerly Invitae), Labcorp
Classification: Uncertain significance for Paget disease of bone 2, early-onset; Frontotemporal dementia and/or amyotrophic lateral sclerosis 1. Last evaluated: 2024-10-29. Review status: criteria provided, single submitter. Criteria: Invitae Variant Classification Sherloc (09022015). Collection method: clinical testing. Allele origin: germline.
Comment: This sequence change replaces tyrosine, which is neutral and polar, with cysteine, which is neutral and slightly polar, at codon 98 of the SQSTM1 protein (p.Tyr98Cys). This variant is present in population databases (rs750784335, gnomAD 0.01%). This variant has not been reported in the literature in individuals affected with SQSTM1-related conditions. ClinVar contains an entry for this variant (Variation ID: 1036874). Invitae Evidence Modeling of protein sequence and biophysical properties (such as structural, functional, and spatial information, amino acid conservation, physicochemical variation, residue mobility, and thermodynamic stability) indicates that this missense variant is expected to disrupt SQSTM1 protein function with a positive predictive value of 80%. In summary, the available evidence is currently insufficient to determine the role of this variant in disease. Therefore, it has been classified as a Variant of Uncertain Significance.

NM_003900.5(SQSTM1):c.293A>G (p.Tyr98Cys)

Gene: SQSTM1 (sequestosome 1; plus strand). Cytogenetic location: 5q35.3.
Variant type: single nucleotide variant.
Coding change: c.293A>G on transcript NM_003900.5 (MANE Select); coding-DNA position 293, A replaced by G.
Protein change: p.Tyr98Cys; replaces tyrosine 98 with cysteine.
Molecular consequence: missense variant.
Genome position (GRCh38, 1-based): chr5:179,823,045, A>G. VCF-style: chr5-179823045-A-G. GRCh37 (hg19) VCF-style: chr5-179250045-A-G.
Other names: c.41A>G, p.Tyr14Cys (NM_001142298.2, NM_001142299.2); short protein forms Y14C, Y98C.
Identifiers: ClinVar variation 1036874 (VCV001036874.8), dbSNP rs750784335, ClinGen allele CA3600439.